The following is an entry in ClinVar:

ClinVar aggregate classification (germline): Likely benign. Review status: criteria provided, multiple submitters, no conflicts (2 of 4 stars). 3 submissions from 3 submitters: Likely benign (3). Last evaluated 2025-07-07.

Conditions:
Tuberous sclerosis syndrome (TSC). Also called: Tuberous Sclerosis Complex; Tuberous sclerosis. Identifiers: Orphanet 805, MedGen C0041341, MONDO:0001734.
Tuberous sclerosis 1 (TSC1). Identifiers: Orphanet 805, MedGen C1854465, MONDO:0008612, OMIM 191100.

Allele frequency attached by ClinVar (database versions not stated): gnomAD exomes 0.00001 and 0.00002; TOPMed 0.00001; ExAC 0.00002.
gnomAD v4.1: 3 of 1,614,056 alleles (0.00019%); highest among the groups gnomAD compares: Admixed American, 0.005%; no homozygotes.

Submissions (3):

Color Diagnostics, LLC DBA Color Health
Classification: Likely benign for Tuberous sclerosis syndrome. Last evaluated: 2025-07-07. Review status: criteria provided, single submitter. Criteria: ACMG Guidelines, 2015. Collection method: clinical testing. Allele origin: germline.

Myriad Genetics, Inc.
Classification: Likely benign for Tuberous sclerosis 1. Last evaluated: 2025-04-08. Review status: criteria provided, single submitter. Criteria: Myriad Autosomal Dominant, Autosomal Recessive and X-Linked Classification Criteria (2023). Collection method: clinical testing. Allele origin: unknown.
Comment: This variant is considered likely benign. This variant is intronic and is not expected to impact mRNA splicing.

Labcorp Genetics (formerly Invitae), Labcorp
Classification: Likely benign for Tuberous sclerosis 1. Last evaluated: 2025-01-29. Review status: criteria provided, single submitter. Criteria: Invitae Variant Classification Sherloc (09022015). Collection method: clinical testing. Allele origin: germline.

NM_000368.5(TSC1):c.509-10C>T

Gene: TSC1 (TSC complex subunit 1; minus strand). Cytogenetic location: 9q34.13.
Variant type: single nucleotide variant.
Coding change: c.509-10C>T on transcript NM_000368.5 (MANE Select); 10 bases into the intron before coding-DNA position 509, C replaced by T.
Molecular consequence: intron variant.
Genome position (GRCh38, 1-based): chr9:132,921,983, G>A on the plus strand (C>T on the coding strand, the complement: TSC1 is on the minus strand). VCF-style: chr9-132921983-G-A. GRCh37 (hg19) VCF-style: chr9-135797370-G-A.
Other names: c.146-10C>T (NM_001362177.2); c.356-10C>T (NM_001162427.2); c.509-10C>T (NM_001162426.2).
Identifiers: ClinVar variation 237722 (VCV000237722.13), dbSNP rs780670013, ClinGen allele CA037777.